The following is an entry in ClinVar:

NM_001111.5(ADAR):c.*2199C>T

Gene: ADAR (adenosine deaminase RNA specific; minus strand). Cytogenetic location: 1q21.3.
Variant type: single nucleotide variant.
Coding change: c.*2199C>T on transcript NM_001111.5 (MANE Select); 2199 bases downstream of the stop codon, C replaced by T.
Molecular consequence: 3 prime UTR variant.
Genome position (GRCh38, 1-based): chr1:154,582,607, G>A on the plus strand (C>T on the coding strand, the complement: ADAR is on the minus strand). VCF-style: chr1-154582607-G-A. GRCh37 (hg19) VCF-style: chr1-154555083-G-A.
Other names: c.*2199C>T (LRG_1212t1, NM_001025107.3, NM_001193495.2 and 7 more transcripts).
Identifiers: ClinVar variation 292715 (VCV000292715.5), dbSNP rs140535856, ClinGen allele CA10608276.

ClinVar aggregate classification (germline): Benign (1 of 4 stars; one submission).

Conditions:
Symmetrical dyschromatosis of extremities (DSH). Also called: Dyschromatosis symmetrica hereditaria; DYSCHROMATOSIS SYMMETRICA HEREDITARIA 1; RETICULATE ACROPIGMENTATION OF DOHI; SYMMETRIC DYSCHROMATOSIS OF THE EXTREMITIES. Identifiers: Orphanet 41, MedGen C0406775, MONDO:0007483, OMIM 127400.

Allele frequency attached by ClinVar (database versions not stated): gnomAD 0.00229 and 0.00220; TOPMed 0.00254; 1000 Genomes Project 0.00519; 1000 Genomes Project 30x 0.00531.

Submission:

Illumina Laboratory Services, Illumina
Classification: Benign for Symmetrical dyschromatosis of extremities. Last evaluated: 2018-01-13. Review status: criteria provided, single submitter. Criteria: ICSL Variant Classification Criteria 13 December 2019. Collection method: clinical testing. Allele origin: germline.
Comment: This variant was observed in the ICSL laboratory as part of a predisposition screen in an ostensibly healthy population. It had not been previously curated by ICSL or reported in the Human Gene Mutation Database (HGMD: prior to June 1st, 2018), and was therefore a candidate for classification through an automated scoring system. Utilizing variant allele frequency, disease prevalence and penetrance estimates, and inheritance mode, an automated score was calculated to assess if this variant is too frequent to cause the disease. Based on the score and internal cut-off values, a variant classified as benign is not then subjected to further curation. The score for this variant resulted in a classification of benign for this disease.